The following is an entry in ClinVar:

NM_020297.4(ABCC9):c.3252del (p.Phe1084fs)

Gene: ABCC9 (ATP binding cassette subfamily C member 9; minus strand). Cytogenetic location: 12p12.1.
Variant type: Deletion.
Coding change: c.3252del on transcript NM_020297.4 (MANE Select); coding-DNA position 3252, one base deleted (T; older notation c.3252delT).
Protein change: p.Phe1084fs; shifts the reading frame from phenylalanine 1084.
Molecular consequence: frameshift variant.
Genome position (GRCh38, 1-based): chr12:21,844,546, A deleted on the plus strand (T on the coding strand, the reverse complement: ABCC9 is on the minus strand); the first of 6 consecutive A bases (chr12:21,844,546-21,844,551); deleting any one gives the same sequence. VCF-style (leftmost placement, unchanged base first): chr12-21844545-CA-C. GRCh37 (hg19) VCF-style: chr12-21997479-CA-C.
Other names: c.3252del, p.Phe1084fs (NM_001377273.1, NM_005691.4); c.2385del, p.Phe795fs (NM_001377274.1); short protein forms F795fs, F1084fs.
Identifiers: ClinVar variation 4778665 (VCV004778665.1).

ClinVar aggregate classification (germline): Pathogenic (1 of 4 stars; one submission).

Conditions:
Dilated cardiomyopathy 1O (CMD1O). Also called: CARDIOMYOPATHY, DILATED, WITH VENTRICULAR TACHYCARDIA. Identifiers: Orphanet 154, MedGen C1837839, MONDO:0012062, OMIM 608569.

Submission:

Labcorp Genetics (formerly Invitae), Labcorp
Classification: Pathogenic for Dilated cardiomyopathy 1O. Last evaluated: 2025-12-01. Review status: criteria provided, single submitter. Criteria: Invitae Variant Classification Sherloc (09022015). Collection method: clinical testing. Allele origin: germline.
Comment: This sequence change creates a premature translational stop signal (p.Phe1084Leufs*8) in the ABCC9 gene. It is expected to result in an absent or disrupted protein product. Loss-of-function variants in ABCC9 are known to be pathogenic (PMID: 31575858, 38217872). This variant is not present in population databases (gnomAD no frequency). This variant has not been reported in the literature in individuals affected with ABCC9-related conditions. For these reasons, this variant has been classified as Pathogenic.

Literature cited by the submitters: PubMed 31575858; PubMed 38217872.